The following is an entry in ClinVar:

ClinVar aggregate classification (germline): Uncertain significance (1 of 4 stars; one submission).

Conditions:
X-linked Emery-Dreifuss muscular dystrophy. Also called: Muscular dystrophy, tardive Emery-Dreifuss type, with contractures. Identifiers: Orphanet 261, Orphanet 98863, MedGen C0751337, MONDO:0010680.

Submission:

Labcorp Genetics (formerly Invitae), Labcorp
Classification: Uncertain significance for X-linked Emery-Dreifuss muscular dystrophy. Last evaluated: 2020-02-19. Review status: criteria provided, single submitter. Criteria: Invitae Variant Classification Sherloc (09022015). Collection method: clinical testing. Allele origin: germline.
Comment: In summary, the available evidence is currently insufficient to determine the role of this variant in disease. Therefore, it has been classified as a Variant of Uncertain Significance. This sequence change replaces serine with proline at codon 29 of the EMD protein (p.Ser29Pro). The serine residue is moderately conserved and there is a moderate physicochemical difference between serine and proline. This variant is not present in population databases (ExAC no frequency). This variant has not been reported in the literature in individuals with EMD-related conditions. Algorithms developed to predict the effect of missense changes on protein structure and function are either unavailable or do not agree on the potential impact of this missense change (SIFT: "Deleterious"; PolyPhen-2: "Probably Damaging"; Align-GVGD: "Class C0").

NM_000117.3(EMD):c.85T>C (p.Ser29Pro)

Gene: EMD (emerin; plus strand). Cytogenetic location: Xq28.
Variant type: single nucleotide variant.
Coding change: c.85T>C on transcript NM_000117.3 (MANE Select); coding-DNA position 85, T replaced by C.
Protein change: p.Ser29Pro; replaces serine 29 with proline.
Molecular consequence: missense variant.
Genome position (GRCh38, 1-based): chrX:154,379,692, T>C. VCF-style: chrX-154379692-T-C. GRCh37 (hg19) VCF-style: chrX-153608052-T-C.
Other names: short protein forms S29P.
Identifiers: ClinVar variation 999637 (VCV000999637.10), dbSNP rs2067874763, ClinGen allele CA415257266.